The following is an entry in ClinVar:

ClinVar aggregate classification (germline): Uncertain significance (1 of 4 stars; one submission).

Allele frequency attached by ClinVar (database versions not stated): gnomAD exomes below 0.00001.

Submission:

Labcorp Genetics (formerly Invitae), Labcorp
Classification: Uncertain significance. Last evaluated: 2023-08-04. Review status: criteria provided, single submitter. Criteria: Invitae Variant Classification Sherloc (09022015). Collection method: clinical testing. Allele origin: germline.
Comment: This sequence change replaces glycine, which is neutral and non-polar, with valine, which is neutral and non-polar, at codon 115 of the MBD4 protein (p.Gly115Val). This variant is not present in population databases (gnomAD no frequency). This variant has not been reported in the literature in individuals affected with MBD4-related conditions. An algorithm developed to predict the effect of missense changes on protein structure and function (PolyPhen-2) suggests that this variant is likely to be disruptive. In summary, the available evidence is currently insufficient to determine the role of this variant in disease. Therefore, it has been classified as a Variant of Uncertain Significance.

NM_001276270.2(MBD4):c.344G>T (p.Gly115Val)

Gene: MBD4 (methyl-CpG binding domain 4, DNA glycosylase; minus strand). Cytogenetic location: 3q21.3.
Variant type: single nucleotide variant.
Coding change: c.344G>T on transcript NM_001276270.2 (MANE Select); coding-DNA position 344, G replaced by T.
Protein change: p.Gly115Val; replaces glycine 115 with valine.
Molecular consequence: missense variant. On other transcripts: intron variant (1).
Genome position (GRCh38, 1-based): chr3:129,437,300, C>A on the plus strand (G>T on the coding strand, the complement: MBD4 is on the minus strand). VCF-style: chr3-129437300-C-A. GRCh37 (hg19) VCF-style: chr3-129156143-C-A.
Other names: c.344G>T, p.Gly115Val (NM_001276271.2, NM_001276272.2, NM_003925.3); c.247+508G>T (NM_001276273.2); short protein forms G115V.
Identifiers: ClinVar variation 2749987 (VCV002749987.3), dbSNP rs746015431, ClinGen allele CA354468252.
Genomic context (GRCh38, chr3:129,437,300, plus strand): 5'-GAAGTCTCTCCATTTTTGTGAAGATAATTAGCAAGTGAACTTTTGGATCTGAACTTCAGT[C>A]CTTGTGGGCTAGAAAATGATATTAAAGGAAACTTACTGCTAGTAAATAGAAGGGACTTTT-3'
Protein context (NP_001263199.1, residues 105-125): RFDVYFISPQ[Gly115Val]LKFRSKSSLA